The following is an entry in ClinVar:

NM_000135.4(FANCA):c.1501G>A (p.Gly501Ser)

Gene: FANCA (FA complementation group A; minus strand). Cytogenetic location: 16q24.3.
Variant type: single nucleotide variant.
Coding change: c.1501G>A on transcript NM_000135.4 (MANE Select); coding-DNA position 1501, G replaced by A.
Protein change: p.Gly501Ser; replaces glycine 501 with serine.
Molecular consequence: missense variant.
Genome position (GRCh38, 1-based): chr16:89,783,072, C>T on the plus strand (G>A on the coding strand, the complement: FANCA is on the minus strand). VCF-style: chr16-89783072-C-T. GRCh37 (hg19) VCF-style: chr16-89849480-C-T.
Other names: c.1501G>A, p.Gly501Ser (NM_001286167.3); c.1501G>A (LRG_495t1, NM_000135.3); short protein forms G501S.
Identifiers: ClinVar variation 134244 (VCV000134244.44), dbSNP rs2239359, ClinGen allele CA159247.

ClinVar aggregate classification (germline): Benign. Review status: criteria provided, multiple submitters, no conflicts (2 of 4 stars). 17 submissions from 17 submitters: Benign (14). 3 of the submissions do not count toward it. Last evaluated 2026-02-04.

Conditions:
Fanconi anemia (FA). Also called: Fanconi's anemia. Identifiers: Orphanet 84, MedGen C0015625, MeSH D005199, MONDO:0019391.
Fanconi anemia complementation group A (FANCA). Also called: Fanconi anemia, group A; FANCA-Related Fanconi Anemia. Identifiers: Orphanet 84, MedGen C3469521, MONDO:0009215, OMIM 227650.

Allele frequency attached by ClinVar (database versions not stated): gnomAD exomes 0.42765 and 0.50202; ESP Exome Variant Server 0.48230; ExAC 0.49948; gnomAD 0.51262 and 0.51592; 1000 Genomes Project 0.62400; TOPMed 0.52084; 1000 Genomes Project 30x 0.61930.

Submissions (19):

Labcorp Genetics (formerly Invitae), Labcorp
Classification: Benign for Fanconi anemia. Last evaluated: 2026-02-04. Review status: criteria provided, single submitter. Criteria: Invitae Variant Classification Sherloc (09022015). Collection method: clinical testing. Allele origin: germline.

Mayo Clinic Laboratories, Mayo Clinic
Classification: Benign. Last evaluated: 2025-07-29. Review status: criteria provided, single submitter. Criteria: ACMG Guidelines, 2015. Collection method: clinical testing. Allele origin: germline. Observed: 1,102 variant alleles.
Comment: BA1

ARUP Laboratories, Molecular Genetics and Genomics, ARUP Laboratories
Classification: Benign for Fanconi anemia complementation group A. Last evaluated: 2025-07-28. Review status: criteria provided, single submitter. Criteria: ARUP Molecular Germline Variant Investigation Process 2024. Collection method: clinical testing. Allele origin: germline.

GeneKor MSA
Classification: Benign for Fanconi anemia complementation group A. Last evaluated: 2025-07-10. Review status: criteria provided, single submitter. Criteria: ACMG Guidelines, 2015. Collection method: clinical testing. Allele origin: germline.

Blueprint Genetics
Classification: Benign. Last evaluated: 2024-11-27. Review status: criteria provided, single submitter. Criteria: ACMG Guidelines, 2015. Collection method: clinical testing. Allele origin: germline.

KCCC/NGS Laboratory, Kuwait Cancer Control Center
Classification: Benign for Fanconi anemia complementation group A. Last evaluated: 2023-07-07. Review status: criteria provided, single submitter. Criteria: ACMG Guidelines, 2015. Collection method: clinical testing. Allele origin: germline. Affected: yes.

Fulgent Genetics
Classification: Benign for Fanconi anemia complementation group A. Last evaluated: 2022-04-19. Review status: criteria provided, single submitter. Criteria: ACMG Guidelines, 2015. Collection method: clinical testing. Allele origin: unknown.

Women's Health and Genetics/Laboratory Corporation of America, LabCorp
Classification: Benign. Last evaluated: 2021-12-03. Review status: criteria provided, single submitter. Criteria: LabCorp Variant Classification Summary - May 2015. Collection method: clinical testing. Allele origin: germline.

Genome-Nilou Lab
Classification: Benign for Fanconi anemia complementation group A. Last evaluated: 2021-07-08. Review status: criteria provided, single submitter. Criteria: ACMG Guidelines, 2015. Collection method: clinical testing. Allele origin: germline. Affected: no.

GeneDx
Classification: Benign. Last evaluated: 2019-03-01. Review status: criteria provided, single submitter. Criteria: GeneDx Variant Classification Process June 2021. Collection method: clinical testing. Allele origin: germline. Affected: yes.
Comment: This variant is associated with the following publications: (PMID: 27153395, 23021409, 24286411, 24728327)

Illumina Laboratory Services, Illumina
Classification: Benign for Fanconi anemia complementation group A. Last evaluated: 2018-01-12. Review status: criteria provided, single submitter. Criteria: ICSL Variant Classification Criteria 13 December 2019. Collection method: clinical testing. Allele origin: germline.
Comment: This variant was observed in the ICSL laboratory as part of a predisposition screen in an ostensibly healthy population. It had not been previously curated by ICSL or reported in the Human Gene Mutation Database (HGMD: prior to June 1st, 2018), and was therefore a candidate for classification through an automated scoring system. Utilizing variant allele frequency, disease prevalence and penetrance estimates, and inheritance mode, an automated score was calculated to assess if this variant is too frequent to cause the disease. Based on the score and internal cut-off values, a variant classified as benign is not then subjected to further curation. The score for this variant resulted in a classification of benign for this disease.

Eurofins Ntd Llc (ga)
Classification: Benign. Last evaluated: 2016-08-01. Review status: criteria provided, single submitter. Criteria: EGL Classification Definitions 2015. Collection method: clinical testing. Allele origin: germline. Observed: 1 variant allele, 1 heterozygote.

Breakthrough Genomics
Classification: Benign. Review status: criteria provided, single submitter. Criteria: ACMG Guidelines, 2015. Collection method: not provided. Allele origin: germline. Inheritance: Autosomal recessive inheritance. Affected: yes.

PreventionGenetics, part of Exact Sciences
Classification: Benign. Review status: criteria provided, single submitter. Criteria: ACMG Guidelines, 2015. Collection method: clinical testing. Allele origin: germline.

Natera, Inc.
Classification: Benign for Fanconi anemia, group A. Last evaluated: 2020-09-16. Review status: no assertion criteria provided. Collection method: clinical testing. Allele origin: germline. Not counted in ClinVar's aggregate classification.

Leiden Open Variation Database
Classification: Uncertain significance for Fanconi anemia complementation group A. Last evaluated: 2020-02-28. Review status: no assertion criteria provided. Collection method: curation. Allele origin: germline. Affected: yes. Not counted in ClinVar's aggregate classification.
Comment: Curator: Arleen D. Auerbach. Submitter to LOVD: Nikoletta Selenti.

ITMI
No classification provided. Condition: AllHighlyPenetrant. Last evaluated: 2013-09-19. Review status: no classification provided. Collection method: reference population. Allele origin: germline. Not counted in ClinVar's aggregate classification.
Comment: Please see associated publication for description of ethnicities

Dr. Peter K. Rogan Lab, Western University
No classification provided (evidence only). Condition: Familial cancer of breast. Review status: no classification provided. Collection method: in vitro. Allele origin: not applicable. Functional consequence: retained intron. Not counted in ClinVar's aggregate classification.

Dr. Peter K. Rogan Lab, Western University
No classification provided (evidence only). Condition: Germ cell tumor of testis. Review status: no classification provided. Collection method: in vitro. Allele origin: not applicable. Functional consequence: retained intron. Not counted in ClinVar's aggregate classification.

Literature cited by the submitters: PubMed 24728327 (cited by ITMI).